The following is an entry in ClinVar:

NM_019066.5(MAGEL2):c.3633C>A (p.Ser1211Arg)

Gene: MAGEL2 (MAGE family member L2; minus strand). Cytogenetic location: 15q11.2.
Variant type: single nucleotide variant.
Coding change: c.3633C>A on transcript NM_019066.5 (MANE Select); coding-DNA position 3633, C replaced by A.
Protein change: p.Ser1211Arg; replaces serine 1211 with arginine.
Molecular consequence: missense variant.
Genome position (GRCh38, 1-based): chr15:23,644,110, G>T on the plus strand (C>A on the coding strand, the complement: MAGEL2 is on the minus strand). VCF-style: chr15-23644110-G-T. GRCh37 (hg19) VCF-style: chr15-23889257-G-T.
Other names: c.3633C>A (NM_019066.4); short protein forms S1211R.
Identifiers: ClinVar variation 2433604 (VCV002433604.8), dbSNP rs1413703384, ClinGen allele CA391321516.
Genomic context (GRCh38, chr15:23,644,110, plus strand): 5'-ATCCTCATCTGTGTCTTCCCACTCACACTCTGCGAGCGCTTCAAGGTAATGGAATGGCCA[G>T]CTCTGTGGATCTTTCTTATGGAGCTTGGCCAAAAACCTCAGGACAAGCATCTTGCTGGTT-3'
Protein context (NP_061939.3, residues 1201-1221): LAKLHKKDPQ[Ser1211Arg]WPFHYLEALA

ClinVar aggregate classification (germline): Uncertain significance. Review status: criteria provided, multiple submitters, no conflicts (2 of 4 stars). 3 submissions from 3 submitters: Uncertain significance (2). 1 of the submissions does not count toward it. Last evaluated 2023-06-09.

Conditions:
Schaaf-Yang syndrome (SHFYNG). Also called: Arthrogryposis, distal, with hypopituitarism, intellectual disability, and facial anomalies; MAGEL2-related Prader-Willi-like syndrome. Identifiers: Orphanet 398069, MedGen C5575066, MONDO:0014243, OMIM 615547.
MAGEL2-related disorder. Also called: MAGEL2-related condition.

Submissions (3):

Labcorp Genetics (formerly Invitae), Labcorp
Classification: Uncertain significance. Last evaluated: 2023-06-09. Review status: criteria provided, single submitter. Criteria: Invitae Variant Classification Sherloc (09022015). Collection method: clinical testing. Allele origin: germline.
Comment: This variant is not present in population databases (gnomAD no frequency). This sequence change replaces serine, which is neutral and polar, with arginine, which is basic and polar, at codon 1211 of the MAGEL2 protein (p.Ser1211Arg). In summary, the available evidence is currently insufficient to determine the role of this variant in disease. Therefore, it has been classified as a Variant of Uncertain Significance. Advanced modeling of protein sequence and biophysical properties (such as structural, functional, and spatial information, amino acid conservation, physicochemical variation, residue mobility, and thermodynamic stability) performed at Invitae indicates that this missense variant is not expected to disrupt MAGEL2 protein function. ClinVar contains an entry for this variant (Variation ID: 2433604). This variant has not been reported in the literature in individuals affected with MAGEL2-related conditions.

Revvity Omics, Revvity
Classification: Uncertain significance for Schaaf-Yang syndrome. Last evaluated: 2019-06-12. Review status: criteria provided, single submitter. Criteria: ACMG Guidelines, 2015. Collection method: clinical testing. Allele origin: germline.

PreventionGenetics, part of Exact Sciences
Classification: Uncertain significance for MAGEL2-related condition. Last evaluated: 2023-10-31. Review status: no assertion criteria provided. Collection method: clinical testing. Allele origin: germline. Not counted in ClinVar's aggregate classification.
Comment: The MAGEL2 c.3633C>A variant is predicted to result in the amino acid substitution p.Ser1211Arg. To our knowledge, this variant has not been reported in the literature or in a large population database, indicating this variant is rare. At this time, the clinical significance of this variant is uncertain due to the absence of conclusive functional and genetic evidence.